The following is an entry in ClinVar:

NM_003743.5(NCOA1):c.375T>C (p.Phe125=)

Gene: NCOA1 (nuclear receptor coactivator 1; plus strand). Cytogenetic location: 2p23.3.
Variant type: single nucleotide variant.
Coding change: c.375T>C on transcript NM_003743.5 (MANE Select); coding-DNA position 375, T replaced by C.
Protein change: p.Phe125=; no amino-acid change (phenylalanine 125 retained).
Molecular consequence: synonymous variant.
Genome position (GRCh38, 1-based): chr2:24,682,971, T>C. VCF-style: chr2-24682971-T-C. GRCh37 (hg19) VCF-style: chr2-24905840-T-C.
Other names: c.375T>C, p.Phe125= (NM_001362950.1, NM_001362952.1, NM_001362954.1 and 3 more transcripts).
Identifiers: ClinVar variation 4986355 (VCV004986355.1).

ClinVar aggregate classification (germline): Likely benign (1 of 4 stars; one submission).

Conditions:
NCOA1-related disorder. Also called: NCOA1-related condition.

gnomAD v4.1: 20 of 1,591,964 alleles (0.0013%); highest among the groups gnomAD compares: Middle Eastern, 0.066%; no homozygotes.

Submission:

PreventionGenetics, part of Exact Sciences
Classification: Likely benign for NCOA1-related condition. Last evaluated: 2024-11-20. Review status: criteria provided, single submitter. Criteria: ACMG Guidelines, 2015. Collection method: clinical testing. Allele origin: germline.
Comment: This variant is classified as likely benign based on ACMG/AMP sequence variant interpretation guidelines (Richards et al. 2015 PMID: 25741868, with internal and published modifications).